The following is an entry in ClinVar:

NM_016138.5(COQ7):c.348C>A (p.Asn116Lys)

Gene: COQ7 (coenzyme Q7, hydroxylase; plus strand). Cytogenetic location: 16p12.3.
Variant type: single nucleotide variant.
Coding change: c.348C>A on transcript NM_016138.5 (MANE Select); coding-DNA position 348, C replaced by A.
Protein change: p.Asn116Lys; replaces asparagine 116 with lysine.
Molecular consequence: missense variant. On other transcripts: non-coding transcript variant (2).
Genome position (GRCh38, 1-based): chr16:19,074,016, C>A. VCF-style: chr16-19074016-C-A. GRCh37 (hg19) VCF-style: chr16-19085338-C-A.
Other names: c.234C>A, p.Asn78Lys (NM_001190983.2, NM_001370492.1, NM_001370493.1 and 2 more transcripts); c.306C>A, p.Asn102Lys (NM_001370489.1, NM_001370491.1); c.348C>A, p.Asn116Lys (NM_001370490.1); c.348C>A (NM_016138.4); short protein forms N78K, N116K, N102K.
Identifiers: ClinVar variation 1449385 (VCV001449385.5), dbSNP rs760972380, ClinGen allele CA7932977.

ClinVar aggregate classification (germline): Uncertain significance. Review status: criteria provided, multiple submitters, no conflicts (2 of 4 stars). 3 submissions from 3 submitters: Uncertain significance (3). Last evaluated 2024-04-02.

gnomAD v4.1: 13 of 1,612,970 alleles (0.00081%); highest among the groups gnomAD compares: Admixed American, 0.022%; no homozygotes.

Submissions (3):

GeneDx
Classification: Uncertain significance. Last evaluated: 2024-04-02. Review status: criteria provided, single submitter. Criteria: GeneDx Variant Classification Process June 2021. Collection method: clinical testing. Allele origin: germline. Affected: yes.
Comment: Has not been previously published as pathogenic or benign to our knowledge; In silico analysis supports that this missense variant has a deleterious effect on protein structure/function

Ambry Genetics
Classification: Uncertain significance. Last evaluated: 2024-01-23. Review status: criteria provided, single submitter. Criteria: Ambry Variant Classification Scheme 2023. Collection method: clinical testing. Allele origin: germline.

Labcorp Genetics (formerly Invitae), Labcorp
Classification: Uncertain significance. Last evaluated: 2022-08-03. Review status: criteria provided, single submitter. Criteria: Invitae Variant Classification Sherloc (09022015). Collection method: clinical testing. Allele origin: germline.
Comment: This sequence change replaces asparagine, which is neutral and polar, with lysine, which is basic and polar, at codon 116 of the COQ7 protein (p.Asn116Lys). This variant is present in population databases (rs760972380, gnomAD 0.02%). This variant has not been reported in the literature in individuals affected with COQ7-related conditions. ClinVar contains an entry for this variant (Variation ID: 1449385). Algorithms developed to predict the effect of missense changes on protein structure and function (SIFT, PolyPhen-2, Align-GVGD) all suggest that this variant is likely to be tolerated. Algorithms developed to predict the effect of sequence changes on RNA splicing suggest that this variant may create or strengthen a splice site. In summary, the available evidence is currently insufficient to determine the role of this variant in disease. Therefore, it has been classified as a Variant of Uncertain Significance.